The following is an entry in ClinVar:

NM_032608.7(MYO18B):c.662T>C (p.Leu221Pro)

Gene: MYO18B (myosin XVIIIB; plus strand). Cytogenetic location: 22q12.1.
Variant type: single nucleotide variant.
Coding change: c.662T>C on transcript NM_032608.7 (MANE Select); coding-DNA position 662, T replaced by C.
Protein change: p.Leu221Pro; replaces leucine 221 with proline.
Molecular consequence: missense variant.
Genome position (GRCh38, 1-based): chr22:25,768,578, T>C. VCF-style: chr22-25768578-T-C. GRCh37 (hg19) VCF-style: chr22-26164545-T-C.
Other names: c.662T>C, p.Leu221Pro (NM_001318245.2); short protein forms L221P.
Identifiers: ClinVar variation 1396614 (VCV001396614.5), dbSNP rs773852377, ClinGen allele CA10159666.
Genomic context (GRCh38, chr22:25,768,578, plus strand): 5'-GCTCCCAGGCCAGCACCGAGATCTTGGCCCCGAAAGCTGAGAAGACCCGGACTGGGGGTC[T>C]TGGGGACCCAGGCCAAGGAACTGTGGCACTGAAAAAAGGCGAGGAGGGTCAAAGCATAGT-3'
Protein context (NP_115997.5, residues 211-231): PKAEKTRTGG[Leu221Pro]GDPGQGTVAL

ClinVar aggregate classification (germline): Uncertain significance (1 of 4 stars; one submission).

Allele frequency attached by ClinVar (database versions not stated): gnomAD 0.00001; gnomAD exomes 0.00001 and 0.00003; ExAC 0.00003; TOPMed 0.00003.
gnomAD v4.1: 21 of 1,530,550 alleles (0.0014%); highest among the groups gnomAD compares: East Asian, 0.032%; no homozygotes.

Submission:

Labcorp Genetics (formerly Invitae), Labcorp
Classification: Uncertain significance. Last evaluated: 2022-08-10. Review status: criteria provided, single submitter. Criteria: Invitae Variant Classification Sherloc (09022015). Collection method: clinical testing. Allele origin: germline.
Comment: This sequence change replaces leucine, which is neutral and non-polar, with proline, which is neutral and non-polar, at codon 221 of the MYO18B protein (p.Leu221Pro). This variant is present in population databases (rs773852377, gnomAD 0.04%). This missense change has been observed in individual(s) with a vertebral fusion (PMID: 32278351). ClinVar contains an entry for this variant (Variation ID: 1396614). Algorithms developed to predict the effect of missense changes on protein structure and function output the following: SIFT: "Not Available"; PolyPhen-2: "Benign"; Align-GVGD: "Not Available". The proline amino acid residue is found in multiple mammalian species, which suggests that this missense change does not adversely affect protein function. In summary, the available evidence is currently insufficient to determine the role of this variant in disease. Therefore, it has been classified as a Variant of Uncertain Significance.

Literature cited by the submitters: PubMed 32278351.